The following is an entry in ClinVar:

ClinVar aggregate classification (germline): Uncertain significance (1 of 4 stars; one submission).

Conditions:
Dystonia 12 (DYT12). Also called: Rapid-Onset Dystonia-Parkinsonism (RDP); DYT-ATP1A3. Identifiers: Orphanet 71517, MedGen C1868681, MONDO:0007496, OMIM 128235.

Allele frequency attached by ClinVar (database versions not stated): TOPMed 0.00001.
gnomAD v4.1: 4 of 1,614,100 alleles (0.00025%); highest among the groups gnomAD compares: Non-Finnish European, 0.00034%; no homozygotes.

Submission:

MVZ Medizinische Genetik Mainz
Classification: Uncertain significance for Dystonia 12. Last evaluated: 2022-11-18. Review status: criteria provided, single submitter. Criteria: UK Practice Guidelines For Variant Classification V4 01 2020. Collection method: clinical testing. Allele origin: germline. Inheritance: Unknown mechanism. Affected: yes. Observed: 1 variant allele.
Comment: ACMG Criteria: PM2_SUP,PP2,PP3

NM_152296.5(ATP1A3):c.484A>T (p.Ile162Phe)

Gene: ATP1A3 (ATPase Na+/K+ transporting subunit alpha 3; minus strand). Cytogenetic location: 19q13.2.
Variant type: single nucleotide variant.
Coding change: c.484A>T on transcript NM_152296.5 (MANE Select); coding-DNA position 484, A replaced by T.
Protein change: p.Ile162Phe; replaces isoleucine 162 with phenylalanine.
Molecular consequence: missense variant.
Genome position (GRCh38, 1-based): chr19:41,985,986, T>A on the plus strand (A>T on the coding strand, the complement: ATP1A3 is on the minus strand). VCF-style: chr19-41985986-T-A. GRCh37 (hg19) VCF-style: chr19-42490138-T-A.
Other names: c.517A>T, p.Ile173Phe (NM_001256213.2); c.523A>T, p.Ile175Phe (NM_001256214.2); short protein forms I162F, I173F, I175F.
Identifiers: ClinVar variation 3066127 (VCV003066127.1), dbSNP rs2075282776, ClinGen allele CA406054758.
Genomic context (GRCh38, chr19:41,985,986, plus strand): 5'-CCACCAGGTCCCCGACCACCACCTCCTCAGCGTTCACCTGCATCTTCTCACCTTCCCGGA[T>A]CACCAGGGCTTGCTGAGGTGGGATGGAGTAATGTCACCTCCCAGACTCCCTCTGCCTGGG-3'
Protein context (NP_689509.1, residues 152-172): KNMVPQQALV[Ile162Phe]REGEKMQVNA